The following is an entry in ClinVar:

NM_017636.4(TRPM4):c.2365A>G (p.Ser789Gly)

Gene: TRPM4 (transient receptor potential cation channel subfamily M member 4; plus strand). Cytogenetic location: 19q13.33.
Variant type: single nucleotide variant.
Coding change: c.2365A>G on transcript NM_017636.4 (MANE Select); coding-DNA position 2365, A replaced by G.
Protein change: p.Ser789Gly; replaces serine 789 with glycine.
Molecular consequence: missense variant. On other transcripts: intron variant (1).
Genome position (GRCh38, 1-based): chr19:49,196,594, A>G. VCF-style: chr19-49196594-A-G. GRCh37 (hg19) VCF-style: chr19-49699851-A-G.
Other names: c.2020A>G, p.Ser674Gly (NM_001321281.2); c.757A>G, p.Ser253Gly (NM_001321282.2); c.1843A>G, p.Ser615Gly (NM_001321283.2); c.1303A>G, p.Ser435Gly (NM_001321285.2); c.2211-3706A>G (NM_001195227.2); short protein forms S674G, S789G, S253G, S435G, S615G.
Identifiers: ClinVar variation 1790204 (VCV001790204.2), dbSNP rs2514178367, ClinGen allele CA406809021.

ClinVar aggregate classification (germline): Uncertain significance (1 of 4 stars; one submission).

Conditions:
Cardiovascular phenotype. Identifiers: MedGen CN230736.

Submission:

Ambry Genetics
Classification: Uncertain significance for Cardiovascular phenotype. Last evaluated: 2022-09-05. Review status: criteria provided, single submitter. Criteria: Ambry Variant Classification Scheme 2023. Collection method: clinical testing. Allele origin: germline.
Comment: The p.S789G variant (also known as c.2365A>G), located in coding exon 17 of the TRPM4 gene, results from an A to G substitution at nucleotide position 2365. The serine at codon 789 is replaced by glycine, an amino acid with similar properties. This amino acid position is conserved. In addition, this alteration is predicted to be tolerated by in silico analysis. Since supporting evidence is limited at this time, the clinical significance of this alteration remains unclear.